The following is an entry in ClinVar:

NM_004104.5(FASN):c.1384G>A (p.Ala462Thr)

Gene: FASN (fatty acid synthase; minus strand). Cytogenetic location: 17q25.3.
Variant type: single nucleotide variant.
Coding change: c.1384G>A on transcript NM_004104.5 (MANE Select); coding-DNA position 1384, G replaced by A.
Protein change: p.Ala462Thr; replaces alanine 462 with threonine.
Molecular consequence: missense variant.
Genome position (GRCh38, 1-based): chr17:82,091,330, C>T on the plus strand (G>A on the coding strand, the complement: FASN is on the minus strand). VCF-style: chr17-82091330-C-T. GRCh37 (hg19) VCF-style: chr17-80049206-C-T.
Other names: short protein forms A462T.
Identifiers: ClinVar variation 530982 (VCV000530982.10), dbSNP rs141275719, ClinGen allele CA8853183.

ClinVar aggregate classification (germline): Conflicting classifications of pathogenicity. Review status: criteria provided, conflicting classifications (1 of 4 stars). 2 submissions from 2 submitters: Uncertain significance (1); Likely benign (1). Last evaluated 2025-12-26.

Conditions:
Epileptic encephalopathy. Identifiers: MedGen C0543888, HP:0200134.

Allele frequency attached by ClinVar (database versions not stated): gnomAD 0.00017 and 0.00019; 1000 Genomes Project 0.00020; TOPMed 0.00022; ESP Exome Variant Server 0.00023; 1000 Genomes Project 30x 0.00031; ExAC 0.00008.
gnomAD v4.1: 96 of 1,609,458 alleles (0.006%); highest among the groups gnomAD compares: African/African-American, 0.041%; no homozygotes.

Submissions (2):

Labcorp Genetics (formerly Invitae), Labcorp
Classification: Uncertain significance for Epileptic encephalopathy. Last evaluated: 2025-12-26. Review status: criteria provided, single submitter. Criteria: Invitae Variant Classification Sherloc (09022015). Collection method: clinical testing. Allele origin: germline.
Comment: This sequence change replaces alanine, which is neutral and non-polar, with threonine, which is neutral and polar, at codon 462 of the FASN protein (p.Ala462Thr). This variant is present in population databases (rs141275719, gnomAD 0.05%). This variant has not been reported in the literature in individuals affected with FASN-related conditions. ClinVar contains an entry for this variant (Variation ID: 530982). An algorithm developed to predict the effect of missense changes on protein structure and function outputs the following: PolyPhen-2: "Benign". The threonine amino acid residue is found in multiple mammalian species, which suggests that this missense change does not adversely affect protein function. In summary, the available evidence is currently insufficient to determine the role of this variant in disease. Therefore, it has been classified as a Variant of Uncertain Significance.

Ambry Genetics
Classification: Likely benign. Last evaluated: 2022-03-29. Review status: criteria provided, single submitter. Criteria: Ambry Variant Classification Scheme 2023. Collection method: clinical testing. Allele origin: germline.